The following is an entry in ClinVar:

NM_002662.5(PLD1):c.2482G>A (p.Glu828Lys)

Gene: PLD1 (phospholipase D1; minus strand). Cytogenetic location: 3q26.31.
Variant type: single nucleotide variant.
Coding change: c.2482G>A on transcript NM_002662.5 (MANE Select); coding-DNA position 2482, G replaced by A.
Protein change: p.Glu828Lys; replaces glutamic acid 828 with lysine.
Molecular consequence: missense variant.
Genome position (GRCh38, 1-based): chr3:171,644,971, C>T on the plus strand (G>A on the coding strand, the complement: PLD1 is on the minus strand). VCF-style: chr3-171644971-C-T. GRCh37 (hg19) VCF-style: chr3-171362761-C-T.
Other names: c.2368G>A, p.Glu790Lys (NM_001130081.3); short protein forms E790K, E828K.
Identifiers: ClinVar variation 4536221 (VCV004536221.1).
Genomic context (GRCh38, chr3:171,644,971, plus strand): 5'-TGTAGTTGAAGTGCATGATTGCCTGTAGAGCATTTCCTCCGCCGGTTGAAATGTCTCCTT[C>T]GAACCCTGGCAGAAGTGGTATCACGACATATACCCGGTATTTCTGGTTTTCCCTGCAAAG-3'
Protein context (NP_002653.1, residues 818-838): YVVIPLLPGF[Glu828Lys]GDISTGGGNA

ClinVar aggregate classification (germline): Uncertain significance (1 of 4 stars; one submission).

gnomAD v4.1: 35 of 1,613,886 alleles (0.0022%); highest among the groups gnomAD compares: Non-Finnish European, 0.0029%; no homozygotes.

Submission:

GeneDx
Classification: Uncertain significance. Last evaluated: 2025-06-08. Review status: criteria provided, single submitter. Criteria: GeneDx Variant Classification Process June 2021. Collection method: clinical testing. Allele origin: germline. Affected: yes.
Comment: In silico analysis supports that this missense variant has a deleterious effect on protein structure/function; Has not been previously published as pathogenic or benign to our knowledge